The following is an entry in ClinVar:

NM_001394998.1(TANC2):c.4566G>A (p.Pro1522=)

Gene: TANC2 (tetratricopeptide repeat, ankyrin repeat and coiled-coil containing 2; plus strand). Cytogenetic location: 17q23.3.
Variant type: single nucleotide variant.
Coding change: c.4566G>A on transcript NM_001394998.1 (MANE Select); coding-DNA position 4566, G replaced by A.
Protein change: p.Pro1522=; no amino-acid change (proline 1522 retained).
Molecular consequence: synonymous variant.
Genome position (GRCh38, 1-based): chr17:63,420,296, G>A. VCF-style: chr17-63420296-G-A. GRCh37 (hg19) VCF-style: chr17-61497657-G-A.
Other names: c.4344G>A, p.Pro1448= (NM_001411076.1); c.4314G>A, p.Pro1438= (NM_025185.4).
Identifiers: ClinVar variation 4821046 (VCV004821046.4).

ClinVar aggregate classification (germline): Likely benign (1 of 4 stars; one submission).

gnomAD v4.1: 74 of 1,613,712 alleles (0.0046%); highest among the groups gnomAD compares: South Asian, 0.011%; no homozygotes.

Submission:

CeGaT Center for Human Genetics Tuebingen
Classification: Likely benign. Last evaluated: 2026-02-01. Review status: criteria provided, single submitter. Criteria: CeGaT Center For Human Genetics Tuebingen Variant Classification Criteria Version 2. Collection method: clinical testing. Allele origin: germline. Affected: yes. Observed: 1 variant allele.
Comment: TANC2: BP4, BP7